The following is an entry in ClinVar:

NM_000481.4(AMT):c.954_958delinsAAGGT (p.Arg320Cys)

Gene: AMT (aminomethyltransferase; minus strand). Cytogenetic location: 3p21.31.
Variant type: Indel.
Coding change: c.954_958delinsAAGGT on transcript NM_000481.4 (MANE Select); coding-DNA positions 954 to 958, GAGGC replaced by AAGGT.
Protein change: p.Arg320Cys; replaces arginine 320 with cysteine.
Molecular consequence: missense variant. On other transcripts: non-coding transcript variant (1).
Genome position (GRCh38, 1-based): chr3:49,417,893-49,417,897, GCCTC replaced by ACCTT on the plus strand (GAGGC replaced by AAGGT on the coding strand, the reverse complement: AMT is on the minus strand). VCF-style: chr3-49417893-GCCTC-ACCTT. GRCh37 (hg19) VCF-style: chr3-49455326-GCCTC-ACCTT.
Other names: c.822_826delinsAAGGT, p.Arg276Cys (NM_001164710.2); c.786_790delinsAAGGT, p.Arg264Cys (NM_001164711.2); c.954_958delinsAAGGT, p.Arg320Cys (NM_001164712.2); c.954_958delinsAAGGT (NM_000481.3); short protein forms R264C, R276C, R320C.
Identifiers: ClinVar variation 3251505 (VCV003251505.2), dbSNP rs2471146280.

ClinVar aggregate classification (germline): Conflicting classifications of pathogenicity. Review status: criteria provided, conflicting classifications (1 of 4 stars). 2 submissions from 2 submitters: Likely pathogenic (1); Uncertain significance (1). Last evaluated 2026-01-21.

Conditions:
Glycine encephalopathy. Also called: Nonketotic hyperglycinemia; Non-ketotic hyperglycinemia. Identifiers: Orphanet 407, MedGen C0751748, MONDO:0011612, HP:0008288.

Submissions (2):

Natera, Inc.
Classification: Likely pathogenic for Non-ketotic hyperglycinemia. Last evaluated: 2026-01-21. Review status: criteria provided, single submitter. Criteria: Natera Variant Classification Schema (03/2026). Collection method: clinical testing. Allele origin: germline.
Comment: The c.954_958delinsAAGGT variant in AMT is a deletion-insertion (delins) variant predicted to replace one or more nucleotides with a different sequence. This variant is rare in the general population with a frequency below the threshold expected for the associated phenotype(s). Another variant at this same site results in an alteration predicted to cause a similar molecular effect has been observed in individual(s) with the associated phenotype. A different variant at the same position has been determined to be Pathogenic or Likely Pathogenic. Computational prediction algorithms indicate this variant is likely to affect gene or protein function. Given the available evidence, this variant is classified as Likely Pathogenic.

Women's Health and Genetics/Laboratory Corporation of America, LabCorp
Classification: Uncertain significance. Last evaluated: 2024-04-05. Review status: criteria provided, single submitter. Criteria: LabCorp Variant Classification Summary - May 2015. Collection method: clinical testing. Allele origin: germline.
Comment: Variant summary: AMT c.954_958delinsAAGGT (p.Arg320Cys) results in a non-conservative amino acid change in the encoded protein sequence. Five of five in-silico tools predict a damaging effect of the variant on protein function. The variant was absent in 251144 control chromosomes (gnomAD). To our knowledge, no occurrence of c.954_958delinsAAGGT in individuals affected with Glycine Encephalopathy (Non-Ketotic Hyperglycinemia) and no experimental evidence demonstrating its impact on protein function have been reported, although a missense variant resulting in the same amino acid change has been found in association with disease (HGMD). Another missense variant affecting this amino acid has been determined to be pathogenic, suggesting this may be a functionally important residue. No submitters have cited clinical-significance assessments for this variant to ClinVar. Based on the evidence outlined above, the variant was classified as VUS-possibly pathogenic.